The following is an entry in ClinVar:

ClinVar aggregate classification (germline): Uncertain significance (1 of 4 stars; one submission).

Conditions:
Intellectual developmental disorder, autosomal dominant 43. Also called: Intellectual disability, autosomal dominant 43. Identifiers: MedGen C4707429, MONDO:0014858, OMIM 616977.

Allele frequency attached by ClinVar (database versions not stated): gnomAD exomes 0.00001 and below 0.00001; TOPMed below 0.00001.
gnomAD v4.1: 13 of 1,613,908 alleles (0.00081%); highest among the groups gnomAD compares: African/African-American, 0.0027%; no homozygotes.

Submission:

Baylor Genetics
Classification: Uncertain significance for Intellectual developmental disorder, autosomal dominant 43. Last evaluated: 2018-02-28. Review status: criteria provided, single submitter. Criteria: ACMG Guidelines, 2015. Collection method: clinical testing. Allele origin: maternal. Affected: yes.
Comment: This variant was determined to be of uncertain significance according to ACMG Guidelines, 2015 [PMID:25741868].

NM_006734.4(HIVEP2):c.4828C>T (p.Arg1610Cys)

Gene: HIVEP2 (HIVEP zinc finger 2; minus strand). Cytogenetic location: 6q24.2.
Variant type: single nucleotide variant.
Coding change: c.4828C>T on transcript NM_006734.4 (MANE Select); coding-DNA position 4828, C replaced by T.
Protein change: p.Arg1610Cys; replaces arginine 1610 with cysteine.
Molecular consequence: missense variant.
Genome position (GRCh38, 1-based): chr6:142,769,911, G>A on the plus strand (C>T on the coding strand, the complement: HIVEP2 is on the minus strand). VCF-style: chr6-142769911-G-A. GRCh37 (hg19) VCF-style: chr6-143091048-G-A.
Other names: short protein forms R1610C.
Identifiers: ClinVar variation 1033139 (VCV001033139.1), dbSNP rs1443329539, ClinGen allele CA365897980.